The following is an entry in ClinVar:

ClinVar aggregate classification (germline): Likely pathogenic. Review status: criteria provided, multiple submitters, no conflicts (2 of 4 stars). 2 submissions from 2 submitters: Likely pathogenic (2). Last evaluated 2022-11-10.

Conditions:
Autosomal recessive limb-girdle muscular dystrophy type 2J (LGMDR10). Also called: MUSCULAR DYSTROPHY, LIMB-GIRDLE, AUTOSOMAL RECESSIVE 10; Limb-girdle muscular dystrophy, type 2J. Identifiers: Orphanet 140922, MedGen C1837342, MONDO:0012127, OMIM 608807.
Dilated cardiomyopathy 1G (CMD1G). Identifiers: Orphanet 154, MedGen C1858763, MONDO:0011400, OMIM 604145.

Submissions (2):

Labcorp Genetics (formerly Invitae), Labcorp
Classification: Likely pathogenic for Dilated cardiomyopathy 1G; Autosomal recessive limb-girdle muscular dystrophy type 2J. Last evaluated: 2022-11-10. Review status: criteria provided, single submitter. Criteria: Invitae Variant Classification Sherloc (09022015). Collection method: clinical testing. Allele origin: germline.
Comment: This sequence change creates a premature translational stop signal (p.Thr20095Serfs*23) in the TTN gene. While this is not anticipated to result in nonsense mediated decay, it is expected to create a truncated TTN protein. This variant is not present in population databases (gnomAD no frequency). This variant has not been reported in the literature in individuals affected with TTN-related conditions. ClinVar contains an entry for this variant (Variation ID: 503936). This variant is located in the A band of TTN (PMID: 25589632). Truncating variants in this region are significantly overrepresented in patients affected with dilated cardiomyopathy (PMID: 25589632). Truncating variants in this region have also been reported in individuals affected with autosomal recessive centronuclear myopathy (PMID: 23975875). In summary, the currently available evidence indicates that the variant is pathogenic, but additional data are needed to prove that conclusively. Therefore, this variant has been classified as Likely Pathogenic.

GeneDx
Classification: Likely pathogenic. Last evaluated: 2017-12-13. Review status: criteria provided, single submitter. Criteria: GeneDx Variant Classification (06012015). Collection method: clinical testing. Allele origin: germline. Affected: yes.
Comment: The c.55361_55362delCA likely pathogenic variant in the TTN gene has not been reported previously as a pathogenic variant or as a benign variant, to our knowledge. This variant causes a shift in reading frame starting at codon threonine 18454, changing it to a serine , and creating a premature stop codon at position 23 of the new reading frame, denoted p.Thr18454SerfsX23. This likely pathogenic variant is expected to result in either an abnormal, truncated protein product or loss of protein from this allele through nonsense-mediated mRNA decay. Other truncating TTN variants have been reported in approximately 3% of control alleles (Herman et al., 2012). However, the c.55361_55362delCA variant is located in the A-band region of titin, where the majority of truncating pathogenic variants associated with DCM have been reported (Herman et al., 2012). Finally, the c.55361_55362delCA variant is not observed in large population cohorts (Lek et al., 2016).

Literature cited by the submitters: PubMed 25589632 (cited by Labcorp Genetics (formerly Invitae), Labcorp); PubMed 23975875 (cited by Labcorp Genetics (formerly Invitae), Labcorp).

NM_001267550.2(TTN):c.60284_60285del (p.Thr20095fs)

Genes: TTN (titin; minus strand), TTN-AS1 (TTN antisense RNA 1; plus strand). Cytogenetic location: 2q31.2.
Variant type: Microsatellite.
Coding change: c.60284_60285del on transcript NM_001267550.2 (MANE Select); coding-DNA positions 60284 to 60285, 2 bases deleted (CA; older notation c.60284_60285delCA).
Protein change: p.Thr20095fs; shifts the reading frame from threonine 20095.
Molecular consequence: frameshift variant.
Genome position (GRCh38, 1-based): chr2:178,591,440-178,591,441, TG deleted on the plus strand (CA on the coding strand, the reverse complement: TTN is on the minus strand); deleting any 2 consecutive bases within chr2:178,591,440-178,591,443 gives the same sequence; the c. name uses the placement nearest the transcript's 3' end. VCF-style (leftmost placement, unchanged base first): chr2-178591439-CTG-C. GRCh37 (hg19) VCF-style: chr2-179456166-CTG-C.
Other names: c.55361_55362delCA (NM_001256850.1); c.55361_55362del, p.Thr18454fs (NM_001256850.1); c.33089_33090del, p.Thr11030fs (NM_003319.4); c.52580_52581del, p.Thr17527fs (NM_133378.4); c.33464_33465del, p.Thr11155fs (NM_133432.3); c.33665_33666del, p.Thr11222fs (NM_133437.4); short protein forms T17527fs, T11222fs, T20095fs, T11030fs, T11155fs, T18454fs.
Identifiers: ClinVar variation 503936 (VCV000503936.11), dbSNP rs1553644362, ClinGen allele CA658796041.